The following is an entry in ClinVar:

ClinVar aggregate classification (germline): Uncertain significance (1 of 4 stars; one submission).

Conditions:
Aortic valve disease 2 (AOVD2). Identifiers: MedGen C3542024, MONDO:0013902, OMIM 614823.

gnomAD v4.1: 3 of 1,441,790 alleles (0.00021%); highest among the groups gnomAD compares: Non-Finnish European, 0.00028%; no homozygotes.

Submission:

Labcorp Genetics (formerly Invitae), Labcorp
Classification: Uncertain significance for Aortic valve disease 2. Last evaluated: 2025-07-08. Review status: criteria provided, single submitter. Criteria: Invitae Variant Classification Sherloc (09022015). Collection method: clinical testing. Allele origin: germline.
Comment: This sequence change replaces leucine, which is neutral and non-polar, with proline, which is neutral and non-polar, at codon 180 of the SMAD6 protein (p.Leu180Pro). This variant is not present in population databases (gnomAD no frequency). This variant has not been reported in the literature in individuals affected with SMAD6-related conditions. Invitae Evidence Modeling of protein sequence and biophysical properties (such as structural, functional, and spatial information, amino acid conservation, physicochemical variation, residue mobility, and thermodynamic stability) indicates that this missense variant is not expected to disrupt SMAD6 protein function with a negative predictive value of 80%. In summary, the available evidence is currently insufficient to determine the role of this variant in disease. Therefore, it has been classified as a Variant of Uncertain Significance.

NM_005585.5(SMAD6):c.539T>C (p.Leu180Pro)

Gene: SMAD6 (SMAD family member 6; plus strand). Cytogenetic location: 15q22.31.
Variant type: single nucleotide variant.
Coding change: c.539T>C on transcript NM_005585.5 (MANE Select); coding-DNA position 539, T replaced by C.
Protein change: p.Leu180Pro; replaces leucine 180 with proline.
Molecular consequence: missense variant. On other transcripts: non-coding transcript variant (1).
Genome position (GRCh38, 1-based): chr15:66,703,797, T>C. VCF-style: chr15-66703797-T-C. GRCh37 (hg19) VCF-style: chr15-66996135-T-C.
Other names: short protein forms L180P.
Identifiers: ClinVar variation 4754031 (VCV004754031.1).
Genomic context (GRCh38, chr15:66,703,797, plus strand): 5'-AAGCGCGCTCGCGGCTGCTGCTGCTGGAGCAGGAACTCAAAACCGTCACGTACTCGCTGC[T>C]GAAGCGGCTCAAGGAGCGCTCGCTGGACACGCTGCTGGAGGCGGTGGAGTCCCGCGGCGG-3'
Protein context (NP_005576.3, residues 170-190): QELKTVTYSL[Leu180Pro]KRLKERSLDT